The following is an entry in ClinVar:

ClinVar aggregate classification (germline): Uncertain significance. Review status: criteria provided, multiple submitters, no conflicts (2 of 4 stars). 3 submissions from 3 submitters: Uncertain significance (2). 1 of the submissions does not count toward it. Last evaluated 2024-01-31.

Conditions:
Schimke immuno-osseous dysplasia (SIOD). Also called: Schimke Immunoosseous Dysplasia. Identifiers: Orphanet 1830, MedGen C0877024, MONDO:0009458, OMIM 242900.

Allele frequency attached by ClinVar (database versions not stated): gnomAD 0.00001; TOPMed 0.00001.
gnomAD v4.1: 3 of 1,600,864 alleles (0.00019%); highest among the groups gnomAD compares: Non-Finnish European, 0.00026%; no homozygotes.

Submissions (3):

Fulgent Genetics
Classification: Uncertain significance for Schimke immuno-osseous dysplasia. Last evaluated: 2024-01-31. Review status: criteria provided, single submitter. Criteria: ACMG Guidelines, 2015. Collection method: clinical testing. Allele origin: germline.

Labcorp Genetics (formerly Invitae), Labcorp
Classification: Uncertain significance for Schimke immuno-osseous dysplasia. Last evaluated: 2022-11-01. Review status: criteria provided, single submitter. Criteria: Invitae Variant Classification Sherloc (09022015). Collection method: clinical testing. Allele origin: germline.
Comment: This sequence change replaces alanine, which is neutral and non-polar, with serine, which is neutral and polar, at codon 588 of the SMARCAL1 protein (p.Ala588Ser). This variant is present in population databases (no rsID available, gnomAD 0.0008%). This variant has not been reported in the literature in individuals affected with SMARCAL1-related conditions. ClinVar contains an entry for this variant (Variation ID: 1027305). Advanced modeling of protein sequence and biophysical properties (such as structural, functional, and spatial information, amino acid conservation, physicochemical variation, residue mobility, and thermodynamic stability) performed at Invitae indicates that this missense variant is not expected to disrupt SMARCAL1 protein function. In summary, the available evidence is currently insufficient to determine the role of this variant in disease. Therefore, it has been classified as a Variant of Uncertain Significance.

Natera, Inc.
Classification: Uncertain significance for Schimke immuno-osseous dysplasia. Last evaluated: 2020-09-08. Review status: no assertion criteria provided. Collection method: clinical testing. Allele origin: germline. Not counted in ClinVar's aggregate classification.

NM_014140.4(SMARCAL1):c.1762G>T (p.Ala588Ser)

Gene: SMARCAL1 (SNF2 related chromatin remodeling annealing helicase 1; plus strand). Cytogenetic location: 2q35.
Variant type: single nucleotide variant.
Coding change: c.1762G>T on transcript NM_014140.4 (MANE Select); coding-DNA position 1762, G replaced by T.
Protein change: p.Ala588Ser; replaces alanine 588 with serine.
Molecular consequence: missense variant.
Genome position (GRCh38, 1-based): chr2:216,447,069, G>T. VCF-style: chr2-216447069-G-T. GRCh37 (hg19) VCF-style: chr2-217311792-G-T.
Other names: c.1762G>T, p.Ala588Ser (NM_001127207.2); short protein forms A588S.
Identifiers: ClinVar variation 1027305 (VCV001027305.9), dbSNP rs769553029, ClinGen allele CA350501688.